The following is an entry in ClinVar:

NM_000059.4(BRCA2):c.4647_4650del (p.Lys1549fs)

Gene: BRCA2 (BRCA2 DNA repair associated; plus strand). Cytogenetic location: 13q13.1.
Variant type: Deletion.
Coding change: c.4647_4650del on transcript NM_000059.4 (MANE Select); coding-DNA positions 4647 to 4650, 4 bases deleted (AGAG; older notation c.4647_4650delAGAG).
Protein change: p.Lys1549fs; shifts the reading frame from lysine 1549.
Molecular consequence: frameshift variant.
Genome position (GRCh38, 1-based): chr13:32,339,002-32,339,005, AGAG deleted. VCF-style (leftmost placement, unchanged base first): chr13-32339001-AAGAG-A. GRCh37 (hg19) VCF-style: chr13-32913138-AAGAG-A.
Other names: c.4647_4650delAGAG (NM_000059.3).
Identifiers: ClinVar variation 51687 (VCV000051687.32), dbSNP rs397507734, ClinGen allele CA020582.

ClinVar aggregate classification (germline): Pathogenic. Review status: reviewed by expert panel (3 of 4 stars). 12 submissions from 12 submitters: Pathogenic (1). 11 of the submissions do not count toward it. Last evaluated 2016-09-08.

Conditions:
Hereditary cancer-predisposing syndrome. Also called: Hereditary neoplastic syndrome; Hereditary Cancer Syndrome; Neoplastic Syndromes, Hereditary; Tumor predisposition. Identifiers: Orphanet 140162, MedGen C0027672, MeSH D009386, MONDO:0015356.
Hereditary breast ovarian cancer syndrome. Also called: Hereditary breast and ovarian cancer syndrome; Hereditary breast and ovarian cancer syndrome (HBOC); BRCA1- and BRCA2-Associated Hereditary Breast and Ovarian Cancer; Hereditary breast and/or ovarian cancer syndrome; Hereditary breast and ovarian cancer; Breast and ovarian cancer. Identifiers: Orphanet 145, MedGen C0677776, MeSH D061325, MONDO:0003582. Disease mechanism: loss of function.
Breast-ovarian cancer, familial, susceptibility to, 2 (BROVCA2). Also called: BRCA2 Hereditary Breast and Ovarian Cancer. Identifiers: Orphanet 145, MedGen C2675520, MONDO:0012933, OMIM 612555. Disease mechanism: loss of function.
Familial cancer of breast. Also called: Hereditary breast cancer; hereditary breast carcinoma; BREAST CANCER, FAMILIAL. Identifiers: Orphanet 227535, MedGen C0346153, MONDO:0016419, OMIM 114480. Disease mechanism: loss of function.

Allele frequency attached by ClinVar (database versions not stated): TOPMed below 0.00001.

Submissions (12):

Evidence-based Network for the Interpretation of Germline Mutant Alleles (ENIGMA)
Classification: Pathogenic for Breast-ovarian cancer, familial, susceptibility to, 2. Last evaluated: 2016-09-08. Review status: reviewed by expert panel. Criteria: ENIGMA BRCA1/2 Classification Criteria (2015). Collection method: curation. Allele origin: germline.
Comment: Variant allele predicted to encode a truncated non-functional protein.

Institute of Human Genetics, University of Leipzig Medical Center
Classification: Pathogenic for Breast-ovarian cancer, familial, susceptibility to, 2. Last evaluated: 2026-06-02. Review status: criteria provided, single submitter. Criteria: ACMG Guidelines, 2015. Collection method: clinical testing. Allele origin: unknown. Inheritance: Autosomal dominant inheritance. Affected: yes. Not counted in ClinVar's aggregate classification.
Comment: Criteria applied: PVS1,PM5_STR,PM2_SUP,PP4

Labcorp Genetics (formerly Invitae), Labcorp
Classification: Pathogenic for Hereditary breast ovarian cancer syndrome. Last evaluated: 2025-11-09. Review status: criteria provided, single submitter. Criteria: Invitae Variant Classification Sherloc (09022015). Collection method: clinical testing. Allele origin: germline. Not counted in ClinVar's aggregate classification.
Comment: This sequence change creates a premature translational stop signal (p.Lys1549Asnfs*18) in the BRCA2 gene. It is expected to result in an absent or disrupted protein product. Loss-of-function variants in BRCA2 are known to be pathogenic (PMID: 20104584). This variant is not present in population databases (gnomAD no frequency). This premature translational stop signal has been observed in individual(s) with early-onset breast cancer and Lynch syndrome (PMID: 10978364, 25980754). This variant is also known as 4875delAGAG. ClinVar contains an entry for this variant (Variation ID: 51687). For these reasons, this variant has been classified as Pathogenic.

Quest Diagnostics Nichols Institute San Juan Capistrano
Classification: Pathogenic. Last evaluated: 2025-07-25. Review status: criteria provided, single submitter. Criteria: Quest Diagnostics criteria. Collection method: clinical testing. Allele origin: unknown. Not counted in ClinVar's aggregate classification.
Comment: The BRCA2 c.4647_4650del (p.Lys1549Asnfs*18) variant alters the translational reading frame of the BRCA2 mRNA and causes the premature termination of BRCA2 protein synthesis. This variant has been reported in the published literature in individuals with hereditary breast or ovarian cancer (PMID: 10978364 (2000), 32438681 (2020)) and in an individual with suspected Lynch Syndrome (PMID: 25980754 (2015)). This variant has not been reported in large, multi-ethnic general populations (Genome Aggregation Database). Based on the available information, this variant is classified as pathogenic.

Women's Health and Genetics/Laboratory Corporation of America, LabCorp
Classification: Pathogenic for Hereditary breast ovarian cancer syndrome. Last evaluated: 2024-04-25. Review status: criteria provided, single submitter. Criteria: LabCorp Variant Classification Summary - May 2015. Collection method: clinical testing. Allele origin: germline. Not counted in ClinVar's aggregate classification.
Comment: Variant summary: BRCA2 c.4647_4650delAGAG (p.Lys1549AsnfsX18) results in a premature termination codon, predicted to cause absence of the protein due to nonsense mediated decay, which is a commonly known mechanism for disease. The variant was absent in 250612 control chromosomes (gnomAD). c.4647_4650delAGAG has been reported in the literature in individuals affected with Hereditary Breast And Ovarian Cancer Syndrome (e.g. Plaschke_2000, Santonocito_2020). ClinVar contains an entry for this variant (Variation ID: 51687). Based on the evidence outlined above, the variant was classified as pathogenic.

Ambry Genetics
Classification: Pathogenic for Hereditary cancer-predisposing syndrome. Last evaluated: 2024-04-23. Review status: criteria provided, single submitter. Criteria: Ambry Variant Classification Scheme 2023. Collection method: clinical testing. Allele origin: germline. Not counted in ClinVar's aggregate classification.
Comment: The c.4647_4650delAGAG pathogenic mutation, located in coding exon 10 of the BRCA2 gene, results from a deletion of 4 nucleotides at nucleotide positions 4647 to 4650, causing a translational frameshift with a predicted alternate stop codon (p.K1549Nfs*18). It has also been described in breast and ovarian cancer families (Rebbeck TR et al. Hum Mutat. 2018 May;39(5):593-620; Santonocito C et al. Cancers (Basel) 2020 May;12(5):1286). This variant is considered to be rare based on population cohorts in the Genome Aggregation Database (gnomAD). In addition to the clinical data presented in the literature, this alteration is expected to result in loss of function by premature protein truncation or nonsense-mediated mRNA decay. As such, this alteration is interpreted as a disease-causing mutation.

Baylor Genetics
Classification: Pathogenic for Familial cancer of breast. Last evaluated: 2023-12-29. Review status: criteria provided, single submitter. Criteria: ACMG Guidelines, 2015. Collection method: clinical testing. Allele origin: unknown. Not counted in ClinVar's aggregate classification.

Revvity Omics, Revvity
Classification: Pathogenic. Last evaluated: 2023-03-02. Review status: criteria provided, single submitter. Criteria: ACMG Guidelines, 2015. Collection method: clinical testing. Allele origin: germline. Not counted in ClinVar's aggregate classification.

Human Genetics Bochum, Ruhr University Bochum
Classification: Pathogenic for Breast-ovarian cancer, familial, susceptibility to, 2. Last evaluated: 2022-07-28. Review status: criteria provided, single submitter. Criteria: ACMG Guidelines, 2015. Collection method: clinical testing. Allele origin: germline. Affected: yes. Not counted in ClinVar's aggregate classification.
Comment: ACMG criteria used to clasify this variant: PVS1, PM2, PS4, PM1

GeneDx
Classification: Pathogenic. Last evaluated: 2019-05-23. Review status: criteria provided, single submitter. Criteria: GeneDx Variant Classification Process June 2021. Collection method: clinical testing. Allele origin: germline. Affected: yes. Not counted in ClinVar's aggregate classification.
Comment: Frameshift variant predicted to result in protein truncation or nonsense mediated decay in a gene for which loss-of-function is a known mechanism of disease; Not observed in large population cohorts (Lek et al., 2016); Reported as pathogenic in ClinVar but additional evidence is not available [SCV000300777.2, Landrum et al 2016]; This variant is associated with the following publications: (PMID: 10978364, 25980754, 29446198, 32719484)

Consortium of Investigators of Modifiers of BRCA1/2 (CIMBA), c/o University of Cambridge
Classification: Pathogenic for Breast-ovarian cancer, familial, susceptibility to, 2. Last evaluated: 2015-10-02. Review status: criteria provided, single submitter. Criteria: CIMBA Mutation Classification guidelines May 2016. Collection method: clinical testing. Allele origin: germline. Not counted in ClinVar's aggregate classification.

Imagene.me medical diagnostic laboratory, IMAGENE.ME SA
Classification: Pathogenic for Breast-ovarian cancer, familial, susceptibility to, 2. Review status: criteria provided, single submitter. Criteria: IMAGENE.ME Variant Classification SOP 2022. Collection method: clinical testing. Allele origin: germline. Not counted in ClinVar's aggregate classification.
Comment: Classified according to the IMAGENE.ME variant classification SOP based on the ACMG guidelines as Pathogenic (P).

Literature cited by the submitters: PubMed 20104584 (cited by Labcorp Genetics (formerly Invitae), Labcorp); PubMed 10978364 (cited by 3 submitters); PubMed 25980754 (cited by 3 submitters); PubMed 32438681 (cited by Quest Diagnostics Nichols Institute San Juan Capistrano and Women's Health and Genetics/Laboratory Corporation of America, LabCorp); PubMed 32719484 (cited by Quest Diagnostics Nichols Institute San Juan Capistrano).